The following is an entry in ClinVar:

ClinVar aggregate classification (germline): Uncertain significance (1 of 4 stars; one submission).

Conditions:
Combined immunodeficiency due to STIM1 deficiency. Also called: IMMUNODEFICIENCY 10; STIM1 DEFICIENCY. Identifiers: Orphanet 169090, Orphanet 317430, MedGen C2748557, MONDO:0013008, OMIM 612783.
Stormorken syndrome (STRMK). Also called: THROMBOCYTOPATHY, ASPLENIA, AND MIOSIS. Identifiers: Orphanet 3204, MedGen C1861451, MONDO:0008497, OMIM 185070.
Myopathy with tubular aggregates (TAM). Also called: Tubular Aggregate Myopathy. Identifiers: Orphanet 2593, MedGen C0410207, MONDO:0008051.

gnomAD v4.1: 86 of 1,614,072 alleles (0.0053%); highest among the groups gnomAD compares: East Asian, 0.19%; 1 homozygote.

Submission:

Labcorp Genetics (formerly Invitae), Labcorp
Classification: Uncertain significance for Myopathy with tubular aggregates; Combined immunodeficiency due to STIM1 deficiency; Stormorken syndrome. Last evaluated: 2026-01-19. Review status: criteria provided, single submitter. Criteria: Invitae Variant Classification Sherloc (09022015). Collection method: clinical testing. Allele origin: germline.
Comment: This sequence change replaces glycine, which is neutral and non-polar, with valine, which is neutral and non-polar, at codon 555 of the STIM1 protein (p.Gly555Val). This variant is present in population databases (rs200525396, gnomAD 0.006%). This variant has not been reported in the literature in individuals affected with STIM1-related conditions. ClinVar contains an entry for this variant (Variation ID: 1059289). Invitae Evidence Modeling of protein sequence and biophysical properties (such as structural, functional, and spatial information, amino acid conservation, physicochemical variation, residue mobility, and thermodynamic stability) has been performed for this missense variant. However, the output from this modeling did not meet the statistical confidence thresholds required to predict the impact of this variant on STIM1 protein function. In summary, the available evidence is currently insufficient to determine the role of this variant in disease. Therefore, it has been classified as a Variant of Uncertain Significance.

NM_001382567.1(STIM1):c.1757G>T (p.Gly586Val)

Gene: STIM1 (stromal interaction molecule 1; plus strand). Cytogenetic location: 11p15.4.
Variant type: single nucleotide variant.
Coding change: c.1757G>T on transcript NM_001382567.1 (MANE Select); coding-DNA position 1757, G replaced by T.
Protein change: p.Gly586Val; replaces glycine 586 with valine.
Molecular consequence: missense variant. On other transcripts: 3 prime UTR variant (4), non-coding transcript variant (3).
Genome position (GRCh38, 1-based): chr11:4,091,404, G>T. VCF-style: chr11-4091404-G-T. GRCh37 (hg19) VCF-style: chr11-4112634-G-T.
Other names: c.1982G>T, p.Gly661Val (NM_001277961.3); c.*78G>T (NM_001277962.2, NM_001382578.1, NM_001382579.1 and 1 more transcripts); c.1760G>T, p.Gly587Val (NM_001382566.1); c.1685G>T, p.Gly562Val (NM_001382568.1); c.1529G>T, p.Gly510Val (NM_001382569.1); c.1436G>T, p.Gly479Val (NM_001382570.1); c.1184G>T, p.Gly395Val (NM_001382571.1); c.1442G>T, p.Gly481Val (NM_001382575.1, NM_001382576.1, NM_001382577.1); and 2 more; short protein forms G392V, G395V, G479V, G481V, G510V, G555V, G562V, G586V.
Identifiers: ClinVar variation 1059289 (VCV001059289.9), dbSNP rs200525396, ClinGen allele CA216533896.